The following is an entry in ClinVar:

ClinVar aggregate classification (germline): Uncertain significance. Review status: criteria provided, multiple submitters, no conflicts (2 of 4 stars). 2 submissions from 2 submitters: Uncertain significance (2). Last evaluated 2025-05-10.

Conditions:
Inborn genetic diseases. Identifiers: MedGen C0950123, MeSH D030342.

Allele frequency attached by ClinVar (database versions not stated): ExAC 0.00002; gnomAD 0.00002; TOPMed 0.00002; ESP Exome Variant Server 0.00008.

Submissions (2):

GeneDx
Classification: Uncertain significance. Last evaluated: 2025-05-10. Review status: criteria provided, single submitter. Criteria: GeneDx Variant Classification Process June 2021. Collection method: clinical testing. Allele origin: germline. Affected: yes.
Comment: In silico analysis supports that this missense variant has a deleterious effect on protein structure/function; Has not been previously published as pathogenic or benign to our knowledge; This variant is associated with the following publications: (PMID: 23644136)

Ambry Genetics
Classification: Uncertain significance for Inborn genetic diseases. Last evaluated: 2021-06-30. Review status: criteria provided, single submitter. Criteria: Ambry Variant Classification Scheme 2023. Collection method: clinical testing. Allele origin: germline.

NM_001008216.2(GALE):c.736G>A (p.Asp246Asn)

Gene: GALE (UDP-galactose-4-epimerase; minus strand). Cytogenetic location: 1p36.11.
Variant type: single nucleotide variant.
Coding change: c.736G>A on transcript NM_001008216.2 (MANE Select); coding-DNA position 736, G replaced by A.
Protein change: p.Asp246Asn; replaces aspartic acid 246 with asparagine.
Molecular consequence: missense variant.
Genome position (GRCh38, 1-based): chr1:23,796,756, C>T on the plus strand (G>A on the coding strand, the complement: GALE is on the minus strand). VCF-style: chr1-23796756-C-T. GRCh37 (hg19) VCF-style: chr1-24123246-C-T.
Other names: c.736G>A, p.Asp246Asn (NM_000403.4, NM_001127621.2); short protein forms D246N.
Identifiers: ClinVar variation 2387209 (VCV002387209.3), dbSNP rs148015366, ClinGen allele CA685557.